The following is an entry in ClinVar:

NM_016614.3(TDP2):c.-17G>T

Genes: TDP2 (tyrosyl-DNA phosphodiesterase 2; minus strand), LOC113174982 (Sharpr-MPRA regulatory region 5933; plus strand). Cytogenetic location: 6p22.3.
Variant type: single nucleotide variant.
Coding change: c.-17G>T on transcript NM_016614.3 (MANE Select); 17 bases upstream of the start codon, G replaced by T.
Molecular consequence: 5 prime UTR variant.
Genome position (GRCh38, 1-based): chr6:24,666,879, C>A on the plus strand (G>T on the coding strand, the complement: TDP2 is on the minus strand). VCF-style: chr6-24666879-C-A. GRCh37 (hg19) VCF-style: chr6-24667107-C-A.
Identifiers: ClinVar variation 4525920 (VCV004525920.1).

ClinVar aggregate classification (germline): Uncertain significance (1 of 4 stars; one submission).

gnomAD v4.1: 285 of 1,612,610 alleles (0.018%); highest among the groups gnomAD compares: East Asian, 0.56%; 3 homozygotes.

Submission:

Women's Health and Genetics/Laboratory Corporation of America, LabCorp
Classification: Uncertain significance. Last evaluated: 2025-07-14. Review status: criteria provided, single submitter. Criteria: LabCorp Variant Classification Summary - May 2015. Collection method: clinical testing. Allele origin: germline.
Comment: Variant summary: TDP2 c.-17G>T is located in the untranslated mRNA region upstream of the initiation codon. The variant allele was found at a frequency of 0.0001 in 247354 control chromosomes. This frequency is not significantly higher than estimated for a pathogenic variant in TDP2 causing Spinocerebellar Ataxia, Autosomal Recessive 23, allowing no conclusion about variant significance. To our knowledge, no occurrence of c.-17G>T in individuals affected with Spinocerebellar Ataxia, Autosomal Recessive 23 and no experimental evidence demonstrating its impact on protein function have been reported. No submitters have cited clinical-significance assessments for this variant to ClinVar. Based on the evidence outlined above, the variant was classified as uncertain significance.